The following is an entry in ClinVar:

NM_000051.4(ATM):c.2314del (p.Arg772fs)

Gene: ATM (ATM serine/threonine kinase; plus strand). Cytogenetic location: 11q22.3.
Variant type: Deletion.
Coding change: c.2314del on transcript NM_000051.4 (MANE Select); coding-DNA position 2314, one base deleted (A; older notation c.2314delA).
Protein change: p.Arg772fs; shifts the reading frame from arginine 772.
Molecular consequence: frameshift variant.
Genome position (GRCh38, 1-based): chr11:108,257,544, A deleted. VCF-style (leftmost placement, unchanged base first): chr11-108257543-CA-C. GRCh37 (hg19) VCF-style: chr11-108128270-CA-C.
Other names: c.2314del, p.Arg772fs (NM_001351834.2); short protein forms R772fs.
Identifiers: ClinVar variation 3148286 (VCV003148286.1), dbSNP rs2497386356, ClinGen allele CA2825001800.

ClinVar aggregate classification (germline): Pathogenic (1 of 4 stars; one submission).

Conditions:
Familial cancer of breast. Also called: BREAST CANCER, FAMILIAL; Hereditary breast cancer; hereditary breast carcinoma. Identifiers: Orphanet 227535, MedGen C0346153, MONDO:0016419, OMIM 114480. Disease mechanism: loss of function.

Submission:

Myriad Genetics, Inc.
Classification: Pathogenic for Familial cancer of breast. Last evaluated: 2024-01-17. Review status: criteria provided, single submitter. Criteria: Myriad Autosomal Dominant, Autosomal Recessive and X-Linked Classification Criteria (2023). Collection method: clinical testing. Allele origin: unknown.
Comment: This variant is considered pathogenic. This variant creates a frameshift predicted to result in premature protein truncation.